The following is an entry in ClinVar:

NM_005859.5(PURA):c.215G>C (p.Arg72Pro)

Gene: PURA (purine rich element binding protein A; plus strand). Cytogenetic location: 5q31.3.
Variant type: single nucleotide variant.
Coding change: c.215G>C on transcript NM_005859.5 (MANE Select); coding-DNA position 215, G replaced by C.
Protein change: p.Arg72Pro; replaces arginine 72 with proline.
Molecular consequence: missense variant.
Genome position (GRCh38, 1-based): chr5:140,114,396, G>C. VCF-style: chr5-140114396-G-C. GRCh37 (hg19) VCF-style: chr5-139493981-G-C.
Other names: short protein forms R72P.
Identifiers: ClinVar variation 1709514 (VCV001709514.2), dbSNP rs2126748830, ClinGen allele CA361490142.

ClinVar aggregate classification (germline): Likely pathogenic (1 of 4 stars; one submission).

Conditions:
PURA-related severe neonatal hypotonia-seizures-encephalopathy syndrome (NEDRIHF). Also called: PURA-Related Neurodevelopmental Disorders; NEURODEVELOPMENTAL DISORDER WITH NEONATAL RESPIRATORY INSUFFICIENCY, HYPOTONIA, AND FEEDING DIFFICULTIES. Identifiers: Orphanet 438213, Orphanet 438216, MedGen C4015357, MONDO:1060108, OMIM 616158, MONDO:0018580.

Submission:

MGZ Medical Genetics Center
Classification: Likely pathogenic for PURA-related severe neonatal hypotonia-seizures-encephalopathy syndrome. Last evaluated: 2022-05-23. Review status: criteria provided, single submitter. Criteria: ACMG Guidelines, 2015. Collection method: clinical testing. Allele origin: germline. Affected: yes. Observed: 1 variant allele.
Comment: ACMG criteria applied: PS2_MOD, PM1, PM2_SUP, PP2